The following is an entry in ClinVar:

ClinVar aggregate classification (germline): Uncertain significance (1 of 4 stars; one submission).

Conditions:
Spastic paraplegia. Identifiers: MedGen C0037772, HP:0001258.

Allele frequency attached by ClinVar (database versions not stated): gnomAD 0.00001; gnomAD exomes 0.00001; ExAC 0.00003; 1000 Genomes Project 30x 0.00016; 1000 Genomes Project 0.00020.
gnomAD v4.1: 15 of 1,614,208 alleles (0.00093%); highest among the groups gnomAD compares: Middle Eastern, 0.033%; no homozygotes.

Submission:

Labcorp Genetics (formerly Invitae), Labcorp
Classification: Uncertain significance for Spastic paraplegia. Last evaluated: 2021-09-02. Review status: criteria provided, single submitter. Criteria: Invitae Variant Classification Sherloc (09022015). Collection method: clinical testing. Allele origin: germline.
Comment: This sequence change replaces arginine with cysteine at codon 2021 of the ZFYVE26 protein (p.Arg2021Cys). The arginine residue is moderately conserved and there is a large physicochemical difference between arginine and cysteine. This variant is present in population databases (rs531708348, ExAC 0.01%). This variant has not been reported in the literature in individuals affected with ZFYVE26-related conditions. Algorithms developed to predict the effect of missense changes on protein structure and function are either unavailable or do not agree on the potential impact of this missense change (SIFT: "Deleterious"; PolyPhen-2: "Probably Damaging"; Align-GVGD: "Class C0"). In summary, the available evidence is currently insufficient to determine the role of this variant in disease. Therefore, it has been classified as a Variant of Uncertain Significance.

NM_015346.4(ZFYVE26):c.6061C>T (p.Arg2021Cys)

Gene: ZFYVE26 (zinc finger FYVE-type containing 26; minus strand). Cytogenetic location: 14q24.1.
Variant type: single nucleotide variant.
Coding change: c.6061C>T on transcript NM_015346.4 (MANE Select); coding-DNA position 6061, C replaced by T.
Protein change: p.Arg2021Cys; replaces arginine 2021 with cysteine.
Molecular consequence: missense variant.
Genome position (GRCh38, 1-based): chr14:67,762,770, G>A on the plus strand (C>T on the coding strand, the complement: ZFYVE26 is on the minus strand). VCF-style: chr14-67762770-G-A. GRCh37 (hg19) VCF-style: chr14-68229487-G-A.
Other names: short protein forms R2021C.
Identifiers: ClinVar variation 2051803 (VCV002051803.1), dbSNP rs531708348, ClinGen allele CA7239319.